The following is an entry in ClinVar:

ClinVar aggregate classification (germline): Benign/Likely benign. Review status: criteria provided, multiple submitters, no conflicts (2 of 4 stars). 9 submissions from 9 submitters: Benign (3); Likely benign (6). Last evaluated 2026-02-01.

Conditions:
Loeys-Dietz syndrome (LDS). Identifiers: Orphanet 60030, MedGen C2697932, MONDO:0018954.
Familial thoracic aortic aneurysm and aortic dissection (TAAD). Also called: Thoracic aortic aneurysms and dissections. Identifiers: Orphanet 91387, MedGen C4707243, MONDO:0019625.
Multiple self-healing squamous epithelioma (MSSE). Also called: MULTIPLE SELF-HEALING SQUAMOUS EPITHELIOMA, SUSCEPTIBILITY TO. Identifiers: Orphanet 65748, MedGen C0546476, MONDO:0007566, OMIM 132800.

Allele frequency attached by ClinVar (database versions not stated): gnomAD exomes 0.00007 and 0.00021; ExAC 0.00025; 1000 Genomes Project 30x 0.00047; 1000 Genomes Project 0.00060; ESP Exome Variant Server 0.00077; gnomAD 0.00078 and 0.00081; TOPMed 0.00081.

Submissions (9):

CeGaT Center for Human Genetics Tuebingen
Classification: Likely benign. Last evaluated: 2026-02-01. Review status: criteria provided, single submitter. Criteria: CeGaT Center For Human Genetics Tuebingen Variant Classification Criteria Version 2. Collection method: clinical testing. Allele origin: germline. Affected: yes. Observed: 2 variant alleles.
Comment: TGFBR1: BP4, BP7

Labcorp Genetics (formerly Invitae), Labcorp
Classification: Benign for Familial thoracic aortic aneurysm and aortic dissection. Last evaluated: 2026-01-28. Review status: criteria provided, single submitter. Criteria: Invitae Variant Classification Sherloc (09022015). Collection method: clinical testing. Allele origin: germline.

Blueprint Genetics
Classification: Likely benign. Last evaluated: 2024-05-21. Review status: criteria provided, single submitter. Criteria: ACMG Guidelines, 2015. Collection method: clinical testing. Allele origin: germline.

All of Us Research Program, National Institutes of Health
Classification: Likely benign for Loeys-Dietz syndrome. Last evaluated: 2024-01-11. Review status: criteria provided, single submitter. Criteria: ACMG Guidelines, 2015. Collection method: clinical testing. Allele origin: germline. Inheritance: Autosomal dominant inheritance. Observed: 37 variant alleles, 37 heterozygotes.
Comment: This study involves interpretation of variants in research participants for the purpose of population health screening. Participant phenotype was not available at the time of variant classification. Additional details can be found in publication PMID: 35346344, PMCID: PMC8962531

KCCC/NGS Laboratory, Kuwait Cancer Control Center
Classification: Benign for Multiple self-healing squamous epithelioma. Last evaluated: 2023-07-07. Review status: criteria provided, single submitter. Criteria: ACMG Guidelines, 2015. Collection method: clinical testing. Allele origin: germline. Affected: yes.

Color Diagnostics, LLC DBA Color Health
Classification: Likely benign for Familial thoracic aortic aneurysm and aortic dissection. Last evaluated: 2018-11-08. Review status: criteria provided, single submitter. Criteria: ACMG Guidelines, 2015. Collection method: clinical testing. Allele origin: germline.

Ambry Genetics
Classification: Likely benign for Familial thoracic aortic aneurysm and aortic dissection. Last evaluated: 2016-04-19. Review status: criteria provided, single submitter. Criteria: Ambry Variant Classification Scheme 2023. Collection method: clinical testing. Allele origin: germline.

GeneDx
Classification: Benign. Last evaluated: 2015-03-02. Review status: criteria provided, single submitter. Criteria: GeneDx Variant Classification (06012015). Collection method: clinical testing. Allele origin: germline. Affected: yes.
Comment: This variant is considered likely benign or benign based on one or more of the following criteria: it is a conservative change, it occurs at a poorly conserved position in the protein, it is predicted to be benign by multiple in silico algorithms, and/or has population frequency not consistent with disease.

Breakthrough Genomics
Classification: Likely benign. Review status: criteria provided, single submitter. Criteria: ACMG Guidelines, 2015. Collection method: not provided. Allele origin: germline. Inheritance: Autosomal dominant inheritance. Affected: yes.

NM_004612.4(TGFBR1):c.192A>G (p.Lys64=)

Gene: TGFBR1 (transforming growth factor beta receptor 1; plus strand). Cytogenetic location: 9q22.33.
Variant type: single nucleotide variant.
Coding change: c.192A>G on transcript NM_004612.4 (MANE Select); coding-DNA position 192, A replaced by G.
Protein change: p.Lys64=; no amino-acid change (lysine 64 retained).
Molecular consequence: synonymous variant.
Genome position (GRCh38, 1-based): chr9:99,128,949, A>G. VCF-style: chr9-99128949-A-G. GRCh37 (hg19) VCF-style: chr9-101891231-A-G.
Other names: p.K64K:AAA>AAG; c.192A>G, p.Lys64= (NM_001130916.3, NM_001306210.2); c.192A>G (NM_004612.3).
Identifiers: ClinVar variation 213853 (VCV000213853.35), dbSNP rs112051451, ClinGen allele CA041175.